The following is an entry in ClinVar:

ClinVar aggregate classification (germline): Uncertain significance (1 of 4 stars; one submission).

Conditions:
Hereditary cancer-predisposing syndrome. Also called: Neoplastic Syndromes, Hereditary; Tumor predisposition; Hereditary Cancer Syndrome; Hereditary neoplastic syndrome. Identifiers: Orphanet 140162, MedGen C0027672, MeSH D009386, MONDO:0015356.

Submission:

Ambry Genetics
Classification: Uncertain significance for Hereditary cancer-predisposing syndrome. Last evaluated: 2021-06-30. Review status: criteria provided, single submitter. Criteria: Ambry Variant Classification Scheme 2023. Collection method: clinical testing. Allele origin: germline.
Comment: The p.M416V variant (also known as c.1246A>G), located in coding exon 10 of the NBN gene, results from an A to G substitution at nucleotide position 1246. The methionine at codon 416 is replaced by valine, an amino acid with highly similar properties. This amino acid position is poorly conserved in available vertebrate species. In addition, this alteration is predicted to be tolerated by in silico analysis. Since supporting evidence is limited at this time, the clinical significance of this alteration remains unclear.

NM_002485.5(NBN):c.1246A>G (p.Met416Val)

Gene: NBN (nibrin; minus strand). Cytogenetic location: 8q21.3.
Variant type: single nucleotide variant.
Coding change: c.1246A>G on transcript NM_002485.5 (MANE Select); coding-DNA position 1246, A replaced by G.
Protein change: p.Met416Val; replaces methionine 416 with valine.
Molecular consequence: missense variant.
Genome position (GRCh38, 1-based): chr8:89,955,434, T>C on the plus strand (A>G on the coding strand, the complement: NBN is on the minus strand). VCF-style: chr8-89955434-T-C. GRCh37 (hg19) VCF-style: chr8-90967662-T-C.
Other names: c.1000A>G, p.Met334Val (NM_001024688.3); short protein forms M416V, M334V.
Identifiers: ClinVar variation 483984 (VCV000483984.5), dbSNP rs1554559222, ClinGen allele CA371656276.
Genomic context (GRCh38, chr8:89,955,434, plus strand): 5'-ATTTAGTTGGTGAAAGCTGATAGTTTGGGATTCTCATCTTAGCCAAAGTATTTGATACCA[T>C]ACTATTATTATTAGAGCTTGTTTTGCAGGACTCCTTTACAGTGGGTGCATCTTGTGAAAG-3'
Protein context (NP_002476.2, residues 406-426): SCKTSSNNNS[Met416Val]VSNTLAKMRI